The following is an entry in ClinVar:

NM_001352514.2(HLCS):c.2527C>T (p.Gln843Ter)

Gene: HLCS (holocarboxylase synthetase; minus strand). Cytogenetic location: 21q22.13.
Variant type: single nucleotide variant.
Coding change: c.2527C>T on transcript NM_001352514.2 (MANE Select); coding-DNA position 2527, C replaced by T.
Protein change: p.Gln843Ter; replaces glutamine 843 with a stop codon.
Molecular consequence: nonsense. On other transcripts: non-coding transcript variant (2).
Genome position (GRCh38, 1-based): chr21:36,754,341, G>A on the plus strand (C>T on the coding strand, the complement: HLCS is on the minus strand). VCF-style: chr21-36754341-G-A. GRCh37 (hg19) VCF-style: chr21-38126642-G-A.
Other names: c.2086C>T, p.Gln696Ter (NM_000411.8, NM_001242784.3, NM_001242785.2 and 4 more transcripts); short protein forms Q696*, Q843*.
Identifiers: ClinVar variation 553590 (VCV000553590.8), dbSNP rs1466111134, ClinGen allele CA409918143.

ClinVar aggregate classification (germline): Likely pathogenic. Review status: criteria provided, multiple submitters, no conflicts (2 of 4 stars). 4 submissions from 4 submitters: Likely pathogenic (3). 1 of the submissions does not count toward it. Last evaluated 2024-06-24.

Conditions:
Holocarboxylase synthetase deficiency. Also called: MULTIPLE CARBOXYLASE DEFICIENCY, EARLY ONSET. Identifiers: Orphanet 79242, MedGen C0268581, MONDO:0009666, OMIM 253270.

Allele frequency attached by ClinVar (database versions not stated): gnomAD exomes below 0.00001; gnomAD 0.00001.
gnomAD v4.1: 3 of 1,613,896 alleles (0.00019%); highest among the groups gnomAD compares: Non-Finnish European, 0.00025%; no homozygotes.

Submissions (4):

Fulgent Genetics
Classification: Likely pathogenic for Holocarboxylase synthetase deficiency. Last evaluated: 2024-06-24. Review status: criteria provided, single submitter. Criteria: ACMG Guidelines, 2015. Collection method: clinical testing. Allele origin: germline.

Baylor Genetics
Classification: Likely pathogenic for Holocarboxylase synthetase deficiency. Last evaluated: 2024-03-14. Review status: criteria provided, single submitter. Criteria: ACMG Guidelines, 2015. Collection method: clinical testing. Allele origin: unknown.

Labcorp Genetics (formerly Invitae), Labcorp
Classification: Likely pathogenic for Holocarboxylase synthetase deficiency. Last evaluated: 2022-03-09. Review status: criteria provided, single submitter. Criteria: Invitae Variant Classification Sherloc (09022015). Collection method: clinical testing. Allele origin: germline.
Comment: ClinVar contains an entry for this variant (Variation ID: 553590). In summary, the currently available evidence indicates that the variant is pathogenic, but additional data are needed to prove that conclusively. Therefore, this variant has been classified as Likely Pathogenic. This variant disrupts a region of the HLCS protein in which other variant(s) (p.Pro709Leu) have been observed in individuals with HLCS-related conditions (PMID: 27604308). This suggests that this is a clinically significant region of the protein, and that variants that disrupt it are likely to be disease-causing. Experimental studies have shown that this premature translational stop signal affects HLCS function (PMID: 11124959). Algorithms developed to predict the effect of variants on protein structure and function are not available or were not evaluated for this variant. This variant is also known as a 31-amino acid deletion ending at Leu-695. This variant has not been reported in the literature in individuals affected with HLCS-related conditions. This variant is present in population databases (no rsID available, gnomAD 0.002%). This sequence change creates a premature translational stop signal (p.Gln696*) in the HLCS gene. While this is not anticipated to result in nonsense mediated decay, it is expected to disrupt the last 31 amino acid(s) of the HLCS protein.

Counsyl
Classification: Likely pathogenic for Holocarboxylase synthetase deficiency. Last evaluated: 2017-08-30. Review status: no assertion criteria provided. Collection method: clinical testing. Allele origin: unknown. Not counted in ClinVar's aggregate classification.

Literature cited by the submitters: PubMed 27604308 (cited by Labcorp Genetics (formerly Invitae), Labcorp); PubMed 11124959 (cited by Labcorp Genetics (formerly Invitae), Labcorp and Counsyl).